The following is an entry in ClinVar:

ClinVar aggregate classification (germline): Uncertain significance. Review status: criteria provided, multiple submitters, no conflicts (2 of 4 stars). 2 submissions from 2 submitters: Uncertain significance (2). Last evaluated 2020-10-20.

Conditions:
Inborn genetic diseases. Identifiers: MedGen C0950123, MeSH D030342.

gnomAD v4.1: 25 of 1,613,598 alleles (0.0015%); highest among the groups gnomAD compares: Admixed American, 0.038%; no homozygotes.

Submissions (2):

Ambry Genetics
Classification: Uncertain significance for Inborn genetic diseases. Last evaluated: 2020-10-20. Review status: criteria provided, single submitter. Criteria: Ambry Variant Classification Scheme 2023. Collection method: clinical testing. Allele origin: germline.
Comment: The p.V614L variant (also known as c.1840G>T), located in coding exon 16 of the PLEKHG5 gene, results from a G to T substitution at nucleotide position 1840. The valine at codon 614 is replaced by leucine, an amino acid with highly similar properties. This amino acid position is not well conserved in available vertebrate species. In addition, this alteration is predicted to be tolerated by in silico analysis. Since supporting evidence is limited at this time, the clinical significance of this alteration remains unclear.

Breakthrough Genomics
Classification: Uncertain significance. Review status: criteria provided, single submitter. Criteria: ACMG Guidelines, 2015. Collection method: not provided. Allele origin: germline. Inheritance: Autosomal recessive inheritance. Affected: yes.

NM_020631.6(PLEKHG5):c.1840G>T (p.Val614Leu)

Gene: PLEKHG5 (pleckstrin homology and RhoGEF domain containing G5; minus strand). Cytogenetic location: 1p36.31.
Variant type: single nucleotide variant.
Coding change: c.1840G>T on transcript NM_020631.6 (MANE Select); coding-DNA position 1840, G replaced by T.
Protein change: p.Val614Leu; replaces valine 614 with leucine.
Molecular consequence: missense variant.
Genome position (GRCh38, 1-based): chr1:6,469,637, C>A on the plus strand (G>T on the coding strand, the complement: PLEKHG5 is on the minus strand). VCF-style: chr1-6469637-C-A. GRCh37 (hg19) VCF-style: chr1-6529697-C-A.
Other names: c.1951G>T, p.Val651Leu (NM_001042663.3, NM_001265592.2); c.1840G>T, p.Val614Leu (NM_001042664.2, NM_001042665.2, NM_001265594.3 and 1 more transcripts); c.2047G>T, p.Val683Leu (NM_001265593.2); short protein forms V651L, V614L, V683L.
Identifiers: ClinVar variation 1781153 (VCV001781153.3), dbSNP rs752514480, ClinGen allele CA561333.